The following continues an entry in ClinVar:

NM_000059.4(BRCA2):c.6643del (p.Tyr2215fs)

Gene: BRCA2. ClinVar aggregate classification (germline): Pathogenic. Pathogenic (1).

Submissions 13 to 19 of 19:

GeneDx
Classification: Pathogenic. Last evaluated: 2018-01-26. Review status: criteria provided, single submitter. Criteria: GeneDx Variant Classification (06012015). Collection method: clinical testing. Allele origin: germline. Affected: yes. Not counted in ClinVar's aggregate classification.
Comment: This deletion of one nucleotide in BRCA2 is denoted c.6643delT at the cDNA level and p.Tyr2215ThrfsX14 (Y2215TfsX14) at the protein level. The normal sequence, with the base that is deleted in braces, is TACT[T]ACTC. The deletion causes a frameshift which changes a Tyrosine to a Threonine at codon 2215, and creates a premature stop codon at position 14 of the new reading frame. This variant is predicted to cause loss of normal protein function through either protein truncation or nonsense-mediated mRNA decay. BRCA2 c.6643delT, also known as 6871delT and 6870delT using alternate nomenclature, has been identified in at least two Hereditary Breast and Ovarian Cancer families (Lubinski 2004, Holter 2015). We consider this variant to be pathogenic.

Consortium of Investigators of Modifiers of BRCA1/2 (CIMBA), c/o University of Cambridge
Classification: Pathogenic for Breast-ovarian cancer, familial, susceptibility to, 2. Last evaluated: 2015-10-02. Review status: criteria provided, single submitter. Criteria: CIMBA Mutation Classification guidelines May 2016. Collection method: clinical testing. Allele origin: germline. Not counted in ClinVar's aggregate classification.

Research Molecular Genetics Laboratory, Women's College Hospital, University of Toronto
Classification: Pathogenic for Hereditary breast ovarian cancer syndrome. Last evaluated: 2014-01-31. Review status: no assertion criteria provided. Collection method: research. Allele origin: germline. Affected: yes. Study: The Canadian Open Genetics Repository (COGR). Not counted in ClinVar's aggregate classification.

Foulkes Cancer Genetics LDI, Lady Davis Institute for Medical Research
Classification: Pathogenic for Breast and/or ovarian cancer. Last evaluated: 2013-12-11. Review status: no assertion criteria provided. Collection method: clinical testing. Allele origin: germline. Study: The Canadian Open Genetics Repository (COGR). Not counted in ClinVar's aggregate classification.

Sharing Clinical Reports Project (SCRP)
Classification: Pathogenic for Breast-ovarian cancer, familial 2. Last evaluated: 2012-09-28. Review status: no assertion criteria provided. Collection method: clinical testing. Allele origin: germline. Not counted in ClinVar's aggregate classification.

Breast Cancer Information Core (BIC) (BRCA2)
Classification: Pathogenic for Breast-ovarian cancer, familial 2. Last evaluated: 2000-08-16. Review status: no assertion criteria provided. Collection method: clinical testing. Allele origin: germline. Affected: yes. Observed: 2 variant alleles. Not counted in ClinVar's aggregate classification.

Department of Pathology and Laboratory Medicine, Sinai Health System
Classification: Pathogenic. Review status: no assertion criteria provided. Collection method: clinical testing. Allele origin: unknown. Affected: yes. Observed: 4 variant alleles. Study: The Canadian Open Genetics Repository (COGR). Not counted in ClinVar's aggregate classification.
Comment: The BRCA2 p.Tyr2215ThrfsX14 deletion variant was not identified in the literature but was identified in HGMD and in BIC 2X with clinical importance. This variant is predicted to cause a frameshift, which alters the protein's amino acid sequence beginning at codon 2215 and leads to a premature stop codon 13 codons downstream. This alteration is then predicted to result in a truncated or absent protein and loss of function. Loss of function variants of the BRCA2 gene are an established mechanism of disease in hereditary breast and ovarian cancer. In summary, based on the above information, this variant meets our laboratory's criteria to be classified as pathogenic.

Literature cited by the submitters: PubMed 20104584 (cited by Labcorp Genetics (formerly Invitae), Labcorp); PubMed 15131399 (cited by 6 submitters); PubMed 25940717 (cited by 7 submitters); PubMed 29337092 (cited by 4 submitters); PubMed 22711857 (cited by All of Us Research Program, National Institutes of Health and Color Diagnostics, LLC DBA Color Health); PubMed 29446198 (cited by 3 submitters).